The following is an entry in ClinVar:

ClinVar aggregate classification (germline): Pathogenic. Review status: reviewed by expert panel (3 of 4 stars). 3 submissions from 3 submitters: Pathogenic (1). 2 of the submissions do not count toward it. Last evaluated 2016-04-22.

Conditions:
Breast-ovarian cancer, familial, susceptibility to, 1 (BROVCA1). Also called: BRCA1 Hereditary Breast and Ovarian Cancer; OVARIAN CANCER, SUSCEPTIBILITY TO. Identifiers: Orphanet 145, MedGen C2676676, MONDO:0011450, OMIM 604370. Disease mechanism: loss of function.

Submissions (3):

Evidence-based Network for the Interpretation of Germline Mutant Alleles (ENIGMA)
Classification: Pathogenic for Breast-ovarian cancer, familial, susceptibility to, 1. Last evaluated: 2016-04-22. Review status: reviewed by expert panel. Criteria: ENIGMA BRCA1/2 Classification Criteria (2015). Collection method: curation. Allele origin: germline.
Comment: Variant allele predicted to encode a truncated non-functional protein.

Consortium of Investigators of Modifiers of BRCA1/2 (CIMBA), c/o University of Cambridge
Classification: Pathogenic for Breast-ovarian cancer, familial, susceptibility to, 1. Last evaluated: 2015-10-02. Review status: criteria provided, single submitter. Criteria: CIMBA Mutation Classification guidelines May 2016. Collection method: clinical testing. Allele origin: germline. Not counted in ClinVar's aggregate classification.

Breast Cancer Information Core (BIC) (BRCA1)
Classification: Pathogenic for Breast-ovarian cancer, familial 1. Last evaluated: 2002-05-29. Review status: no assertion criteria provided. Collection method: clinical testing. Allele origin: germline. Affected: yes. Observed: 1 variant allele. Not counted in ClinVar's aggregate classification.

NM_007294.4(BRCA1):c.4373_4389del (p.Gln1458fs)

Gene: BRCA1 (BRCA1 DNA repair associated; minus strand). Cytogenetic location: 17q21.31.
Variant type: Deletion.
Coding change: c.4373_4389del on transcript NM_007294.4 (MANE Select); coding-DNA positions 4373 to 4389, 17 bases deleted (AGAAAAGTAGTGAATAC).
Protein change: p.Gln1458fs; shifts the reading frame from glutamine 1458.
Molecular consequence: frameshift variant. On other transcripts: non-coding transcript variant (1).
Genome position (GRCh38, 1-based): chr17:43,076,583-43,076,599, GTATTCACTACTTTTCT deleted on the plus strand (AGAAAAGTAGTGAATAC on the coding strand, the reverse complement: BRCA1 is on the minus strand); deleting any 17 consecutive bases within chr17:43,076,583-43,076,601 gives the same sequence; the c. name uses the placement nearest the transcript's 3' end. VCF-style (leftmost placement, unchanged base first): chr17-43076582-GGTATTCACTACTTTTCT-G. GRCh37 (hg19) VCF-style: chr17-41228599-GGTATTCACTACTTTTCT-G.
Other names: 4491del17; 4491_4507del17; c.4373_4389del17 (NM_007294.3); c.4373_4389delAGAAAAGTAGTGAATAC (NM_007294.3); c.4245_4261del17, p.Gln1416Profs (NM_001407674.1, NM_001407675.1, NM_001407676.1 and 11 more transcripts); c.4242_4258del17, p.Gln1415Profs (NM_001407681.1, NM_001407682.1, NM_001407683.1 and 6 more transcripts); c.4371_4387del17, p.Gln1458Profs (NM_001407684.1, NM_001407854.1, NM_001407593.1 and 8 more transcripts); c.4239_4255del17, p.Gln1414Profs (NM_001407690.1, NM_001407691.1); and 75 more; short protein forms Q1458fs, Q354fs, Q1479fs, Q1411fs.
Identifiers: ClinVar variation 55184 (VCV000055184.5), dbSNP rs80359885, ClinGen allele CA002804.